The following is an entry in ClinVar:

NM_003587.5(DHX16):c.2018C>T (p.Ala673Val)

Gene: DHX16 (DEAH-box helicase 16; minus strand). Cytogenetic location: 6p21.33.
Variant type: single nucleotide variant.
Coding change: c.2018C>T on transcript NM_003587.5 (MANE Select); coding-DNA position 2018, C replaced by T.
Protein change: p.Ala673Val; replaces alanine 673 with valine.
Molecular consequence: missense variant.
Genome position (GRCh38, 1-based): chr6:30,657,082, G>A on the plus strand (C>T on the coding strand, the complement: DHX16 is on the minus strand). VCF-style: chr6-30657082-G-A. GRCh37 (hg19) VCF-style: chr6-30624859-G-A.
Other names: c.1838C>T, p.Ala613Val (NM_001164239.2); c.575C>T, p.Ala192Val (NM_001363515.2); short protein forms A192V, A613V, A673V.
Identifiers: ClinVar variation 2656337 (VCV002656337.24), dbSNP rs2534380148, ClinGen allele CA363103634.

ClinVar aggregate classification (germline): Uncertain significance (1 of 4 stars; one submission).

Submission:

CeGaT Center for Human Genetics Tuebingen
Classification: Uncertain significance. Last evaluated: 2022-12-01. Review status: criteria provided, single submitter. Criteria: CeGaT Center For Human Genetics Tuebingen Variant Classification Criteria Version 2. Collection method: clinical testing. Allele origin: germline. Affected: yes. Observed: 1 variant allele.
Comment: DHX16: PM1, PM2, PP3